The following is an entry in ClinVar:

NM_024652.6(LRRK1):c.4914+6G>T

Genes: LRRK1 (leucine rich repeat kinase 1; plus strand), LRRK1-AS1 (LRRK1 antisense RNA 1; minus strand). Cytogenetic location: 15q26.3.
Variant type: single nucleotide variant.
Coding change: c.4914+6G>T on transcript NM_024652.6 (MANE Select); 6 bases into the intron after coding-DNA position 4914, G replaced by T.
Molecular consequence: intron variant.
Genome position (GRCh38, 1-based): chr15:101,062,696, G>T. VCF-style: chr15-101062696-G-T. GRCh37 (hg19) VCF-style: chr15-101602901-G-T.
Identifiers: ClinVar variation 1365558 (VCV001365558.6), dbSNP rs748829966, ClinGen allele CA7762000.

ClinVar aggregate classification (germline): Uncertain significance (1 of 4 stars; one submission).

Allele frequency attached by ClinVar (database versions not stated): gnomAD exomes 0.00001 and 0.00002; ExAC 0.00002; gnomAD 0.00003.
gnomAD v4.1: 14 of 1,600,870 alleles (0.00087%); highest among the groups gnomAD compares: South Asian, 0.014%; 1 homozygote.

Submission:

Labcorp Genetics (formerly Invitae), Labcorp
Classification: Uncertain significance. Last evaluated: 2022-11-28. Review status: criteria provided, single submitter. Criteria: Invitae Variant Classification Sherloc (09022015). Collection method: clinical testing. Allele origin: germline.
Comment: This sequence change falls in intron 31 of the LRRK1 gene. It does not directly change the encoded amino acid sequence of the LRRK1 protein. It affects a nucleotide within the consensus splice site. This variant is present in population databases (rs748829966, gnomAD 0.01%). This variant has not been reported in the literature in individuals affected with LRRK1-related conditions. ClinVar contains an entry for this variant (Variation ID: 1365558). Variants that disrupt the consensus splice site are a relatively common cause of aberrant splicing (PMID: 17576681, 9536098). Algorithms developed to predict the effect of sequence changes on RNA splicing suggest that this variant is not likely to affect RNA splicing. In summary, the available evidence is currently insufficient to determine the role of this variant in disease. Therefore, it has been classified as a Variant of Uncertain Significance.

Literature cited by the submitters: PubMed 17576681; PubMed 9536098.